The following is an entry in ClinVar:

ClinVar aggregate classification (germline): Likely benign (1 of 4 stars; one submission).

Allele frequency attached by ClinVar (database versions not stated): gnomAD exomes 0.00098; ESP Exome Variant Server 0.00101; ExAC 0.00120; gnomAD 0.00128; 1000 Genomes Project 30x 0.00156; 1000 Genomes Project 0.00160; TOPMed 0.00181.

Submission:

CeGaT Center for Human Genetics Tuebingen
Classification: Likely benign. Last evaluated: 2023-03-01. Review status: criteria provided, single submitter. Criteria: CeGaT Center For Human Genetics Tuebingen Variant Classification Criteria Version 2. Collection method: clinical testing. Allele origin: germline. Affected: yes. Observed: 3 variant alleles.
Comment: MUC5B: BP4, BP7

NM_002458.3(MUC5B):c.5703G>A (p.Pro1901=)

Genes: MUC5B (mucin 5B, oligomeric mucus/gel-forming; plus strand), MUC5B-AS1 (MUC5B antisense RNA 1; minus strand). Cytogenetic location: 11p15.5.
Variant type: single nucleotide variant.
Coding change: c.5703G>A on transcript NM_002458.3 (MANE Select); coding-DNA position 5703, G replaced by A.
Protein change: p.Pro1901=; no amino-acid change (proline 1901 retained).
Molecular consequence: synonymous variant. On other transcripts: non-coding transcript variant (1).
Genome position (GRCh38, 1-based): chr11:1,242,583, G>A. VCF-style: chr11-1242583-G-A. GRCh37 (hg19) VCF-style: chr11-1263813-G-A.
Identifiers: ClinVar variation 2641207 (VCV002641207.24), dbSNP rs138536141, ClinGen allele CA5805765.